The following is an entry in ClinVar:

NM_001080467.3(MYO5B):c.5375C>A (p.Ala1792Asp)

Genes: MYO5B (myosin VB; minus strand), SNHG22 (small nucleolar RNA host gene 22; plus strand). Cytogenetic location: 18q21.1.
Variant type: single nucleotide variant.
Coding change: c.5375C>A on transcript NM_001080467.3 (MANE Select); coding-DNA position 5375, C replaced by A.
Protein change: p.Ala1792Asp; replaces alanine 1792 with aspartic acid.
Molecular consequence: missense variant.
Genome position (GRCh38, 1-based): chr18:49,835,363, G>T on the plus strand (C>A on the coding strand, the complement: MYO5B is on the minus strand). VCF-style: chr18-49835363-G-T. GRCh37 (hg19) VCF-style: chr18-47361733-G-T.
Other names: c.5375C>A (NM_001080467.2); short protein forms A1792D.
Identifiers: ClinVar variation 1445715 (VCV001445715.4), dbSNP rs202090244, ClinGen allele CA8960068.
Genomic context (GRCh38, chr18:49,835,363, plus strand): 5'-TCGTAGACTGGACTTTATAAAATTACTATCTTAAAACTCACCTGGATTGTTCGTATAAAG[G>T]CCACTGTTACCCGTTCTTCAAATTCATTCAGGGGAGTATAAAGGTTTAAAATTTTGACAA-3'
Protein context (NP_001073936.1, residues 1782-1802): LNEFEERVTV[Ala1792Asp]FIRTIQAQLQ

ClinVar aggregate classification (germline): Uncertain significance. Review status: criteria provided, multiple submitters, no conflicts (2 of 4 stars). 2 submissions from 2 submitters: Uncertain significance (2). Last evaluated 2025-09-22.

Conditions:
Inborn genetic diseases. Identifiers: MedGen C0950123, MeSH D030342.

Allele frequency attached by ClinVar (database versions not stated): TOPMed below 0.00001; gnomAD 0.00001; gnomAD exomes 0.00001.
gnomAD v4.1: 3 of 1,610,244 alleles (0.00019%); highest among the groups gnomAD compares: South Asian, 0.0011%; no homozygotes.

Submissions (2):

Ambry Genetics
Classification: Uncertain significance for Inborn genetic diseases. Last evaluated: 2025-09-22. Review status: criteria provided, single submitter. Criteria: Ambry Variant Classification Scheme 2023. Collection method: clinical testing. Allele origin: germline.

Labcorp Genetics (formerly Invitae), Labcorp
Classification: Uncertain significance. Last evaluated: 2021-10-27. Review status: criteria provided, single submitter. Criteria: Invitae Variant Classification Sherloc (09022015). Collection method: clinical testing. Allele origin: germline.
Comment: This sequence change replaces alanine, a(n) neutral and non-polar amino acid, with aspartic acid, a(n) acidic and polar amino acid, at codon 1792 of the MYO5B protein (p.Ala1792Asp). This variant is present in population databases (rs202090244, gnomAD 0.002%). This variant has not been reported in the literature in individuals affected with MYO5B-related conditions. Algorithms developed to predict the effect of missense changes on protein structure and function are either unavailable or do not agree on the potential impact of this missense change (SIFT: "Deleterious"; PolyPhen-2: "Benign"; Align-GVGD: "Class C0"). In summary, the available evidence is currently insufficient to determine the role of this variant in disease. Therefore, it has been classified as a Variant of Uncertain Significance.